The following is an entry in ClinVar:

ClinVar aggregate classification (germline): Conflicting classifications of pathogenicity. Review status: criteria provided, conflicting classifications (1 of 4 stars). 4 submissions from 4 submitters: Uncertain significance (1); Benign (1); Likely benign (1). 1 of the submissions does not count toward it. Last evaluated 2026-01-25.

Conditions:
Autosomal recessive congenital ichthyosis 1 (LI1). Also called: ICHTHYOSIS, CONGENITAL, AUTOSOMAL RECESSIVE 1, WITH OR WITHOUT BATHING SUIT DISTRIBUTION; COLLODION FETUS; DESQUAMATION OF NEWBORN; ICHTHYOSIS CONGENITA; ICHTHYOSIS CONGENITA II; LAMELLAR EXFOLIATION OF NEWBORN. Identifiers: MedGen C4551630, MONDO:0009441, OMIM 242300.

Allele frequency attached by ClinVar (database versions not stated): ESP Exome Variant Server 0.00023; gnomAD exomes 0.00040; 1000 Genomes Project 30x 0.00016; 1000 Genomes Project 0.00020; ExAC 0.00041; TOPMed 0.00048.

Submissions (4):

Labcorp Genetics (formerly Invitae), Labcorp
Classification: Likely benign. Last evaluated: 2026-01-25. Review status: criteria provided, single submitter. Criteria: Invitae Variant Classification Sherloc (09022015). Collection method: clinical testing. Allele origin: germline.

Illumina Laboratory Services, Illumina
Classification: Uncertain significance for Autosomal recessive congenital ichthyosis 1. Last evaluated: 2017-04-28. Review status: criteria provided, single submitter. Criteria: ICSL Variant Classification Criteria 13 December 2019. Collection method: clinical testing. Allele origin: germline.
Comment: This variant was observed as part of a predisposition screen in an ostensibly healthy population. A literature search was performed for the gene, cDNA change, and amino acid change (where applicable). Publications were found based on this search. However, the evidence from the literature, in combination with allele frequency data from public databases where available, was not sufficient to rule this variant in or out of causing disease. Therefore, this variant is classified as a variant of unknown significance.

GeneDx
Classification: Benign. Last evaluated: 2015-03-03. Review status: criteria provided, single submitter. Criteria: GeneDx Variant Classification Process June 2021. Collection method: clinical testing. Allele origin: germline. Affected: yes.

Natera, Inc.
Classification: Likely benign for Autosomal recessive congenital ichthyosis type 1. Last evaluated: 2020-08-11. Review status: no assertion criteria provided. Collection method: clinical testing. Allele origin: germline. Not counted in ClinVar's aggregate classification.

Literature cited by the submitters: PubMed 22511925 (cited by Illumina Laboratory Services, Illumina).

NM_000359.3(TGM1):c.2160C>T (p.Thr720=)

Gene: TGM1 (transglutaminase 1; minus strand). Cytogenetic location: 14q12.
Variant type: single nucleotide variant.
Coding change: c.2160C>T on transcript NM_000359.3 (MANE Select); coding-DNA position 2160, C replaced by T.
Protein change: p.Thr720=; no amino-acid change (threonine 720 retained).
Molecular consequence: synonymous variant.
Genome position (GRCh38, 1-based): chr14:24,254,217, G>A on the plus strand (C>T on the coding strand, the complement: TGM1 is on the minus strand). VCF-style: chr14-24254217-G-A. GRCh37 (hg19) VCF-style: chr14-24723423-G-A.
Identifiers: ClinVar variation 782135 (VCV000782135.21), dbSNP rs139387079, ClinGen allele CA7130868.
Genomic context (GRCh38, chr14:24,254,217, plus strand): 5'-GTTGAGGATCTTGGGCCTCTGTAACCCAGAGCCTTCGAGCCGGAAGACGACATTGGTGAG[G>A]GTGACGGGAAGGGGGTTCTTGAAGACAATCTGTACTTCACACTCCTGGCCAACCACTGCT-3'
Protein context (NP_000350.1, residues 710-730): QIVFKNPLPV[Thr720=]LTNVVFRLEG